The following is an entry in ClinVar:

NM_000548.5(TSC2):c.1332C>A (p.Asn444Lys)

Gene: TSC2 (TSC complex subunit 2; plus strand). Cytogenetic location: 16p13.3.
Variant type: single nucleotide variant.
Coding change: c.1332C>A on transcript NM_000548.5 (MANE Select); coding-DNA position 1332, C replaced by A.
Protein change: p.Asn444Lys; replaces asparagine 444 with lysine.
Molecular consequence: missense variant. On other transcripts: 5 prime UTR variant (10), non-coding transcript variant (5).
Genome position (GRCh38, 1-based): chr16:2,062,571, C>A. VCF-style: chr16-2062571-C-A. GRCh37 (hg19) VCF-style: chr16-2112572-C-A.
Other names: c.1221C>A, p.Asn407Lys (NM_001406670.1, NM_001318827.2, NM_001406678.1); c.1320C>A, p.Asn440Lys (NM_001406671.1, NM_001406673.1); c.1185C>A, p.Asn395Lys (NM_001406675.1, NM_001406676.1, NM_001318829.2 and 1 more transcripts); c.1275C>A, p.Asn425Lys (NM_001406677.1); c.732C>A, p.Asn244Lys (NM_001406688.1, NM_001318831.2, NM_001406680.1 and 6 more transcripts); c.-13C>A (NM_001406689.1, NM_001406690.1, NM_001406691.1 and 6 more transcripts); c.-189C>A (NM_001406698.1); c.1332C>A, p.Asn444Lys (NM_021055.3, NM_001077183.3, NM_001114382.3 and 6 more transcripts); and 3 more; short protein forms N244K, N290K, N395K, N407K, N425K, N440K, N444K, N455K.
Identifiers: ClinVar variation 2497989 (VCV002497989.4), dbSNP rs535984356, ClinGen allele CA394322472.

ClinVar aggregate classification (germline): Uncertain significance. Review status: criteria provided, multiple submitters, no conflicts (2 of 4 stars). 2 submissions from 2 submitters: Uncertain significance (2). Last evaluated 2024-09-15.

Conditions:
Tuberous sclerosis 2 (TSC2). Identifiers: Orphanet 805, MedGen C1860707, MONDO:0013199, OMIM 613254.

Submissions (2):

Labcorp Genetics (formerly Invitae), Labcorp
Classification: Uncertain significance for Tuberous sclerosis 2. Last evaluated: 2024-09-15. Review status: criteria provided, single submitter. Criteria: Invitae Variant Classification Sherloc (09022015). Collection method: clinical testing. Allele origin: germline.
Comment: This sequence change replaces asparagine, which is neutral and polar, with lysine, which is basic and polar, at codon 444 of the TSC2 protein (p.Asn444Lys). This variant is not present in population databases (gnomAD no frequency). This variant has not been reported in the literature in individuals affected with TSC2-related conditions. ClinVar contains an entry for this variant (Variation ID: 2497989). Invitae Evidence Modeling of protein sequence and biophysical properties (such as structural, functional, and spatial information, amino acid conservation, physicochemical variation, residue mobility, and thermodynamic stability) indicates that this missense variant is not expected to disrupt TSC2 protein function with a negative predictive value of 95%. In summary, the available evidence is currently insufficient to determine the role of this variant in disease. Therefore, it has been classified as a Variant of Uncertain Significance.

GeneDx
Classification: Uncertain significance. Last evaluated: 2022-10-07. Review status: criteria provided, single submitter. Criteria: GeneDx Variant Classification Process June 2021. Collection method: clinical testing. Allele origin: germline. Affected: yes.
Comment: Not observed at significant frequency in large population cohorts (gnomAD); In silico analysis supports that this missense variant does not alter protein structure/function; Has not been previously published as pathogenic or benign to our knowledge